The following is an entry in ClinVar:

ClinVar aggregate classification (germline): Uncertain significance (1 of 4 stars; one submission).

Allele frequency attached by ClinVar (database versions not stated): gnomAD 0.00002; 1000 Genomes Project 30x 0.00016; 1000 Genomes Project 0.00020.
gnomAD v4.1: 11 of 1,550,544 alleles (0.00071%); highest among the groups gnomAD compares: Non-Finnish European, 0.00096%; no homozygotes.

Submission:

CeGaT Center for Human Genetics Tuebingen
Classification: Uncertain significance. Last evaluated: 2024-03-01. Review status: criteria provided, single submitter. Criteria: CeGaT Center For Human Genetics Tuebingen Variant Classification Criteria Version 2. Collection method: clinical testing. Allele origin: germline. Affected: yes. Observed: 2 variant alleles.
Comment: ZNF469: PM2, BP4

NM_001367624.2(ZNF469):c.8365G>A (p.Val2789Ile)

Gene: ZNF469 (zinc finger protein 469; plus strand). Cytogenetic location: 16q24.2.
Variant type: single nucleotide variant.
Coding change: c.8365G>A on transcript NM_001367624.2 (MANE Select); coding-DNA position 8365, G replaced by A.
Protein change: p.Val2789Ile; replaces valine 2789 with isoleucine.
Molecular consequence: missense variant.
Genome position (GRCh38, 1-based): chr16:88,435,835, G>A. VCF-style: chr16-88435835-G-A. GRCh37 (hg19) VCF-style: chr16-88502243-G-A.
Other names: short protein forms V2789I.
Identifiers: ClinVar variation 1879346 (VCV001879346.29), dbSNP rs569619739, ClinGen allele CA286383969.